The following is an entry in ClinVar:

NM_001164508.2(NEB):c.21420C>G (p.Ile7140Met)

Genes: NEB (nebulin; minus strand), RIF1 (replication timing regulatory factor 1; plus strand). Cytogenetic location: 2q23.3.
Variant type: single nucleotide variant.
Coding change: c.21420C>G on transcript NM_001164508.2 (MANE Select); coding-DNA position 21420, C replaced by G.
Protein change: p.Ile7140Met; replaces isoleucine 7140 with methionine.
Molecular consequence: missense variant.
Genome position (GRCh38, 1-based): chr2:151,531,894, G>C on the plus strand (C>G on the coding strand, the complement: NEB is on the minus strand). VCF-style: chr2-151531894-G-C. GRCh37 (hg19) VCF-style: chr2-152388408-G-C.
Other names: c.21420C>G, p.Ile7140Met (NM_001164507.2); c.21525C>G, p.Ile7175Met (NM_001271208.2); c.16317C>G, p.Ile5439Met (NM_004543.5); short protein forms I5439M, I7140M, I7175M.
Identifiers: ClinVar variation 1716626 (VCV001716626.5), dbSNP rs2552140222, ClinGen allele CA348770651.
Genomic context (GRCh38, chr2:151,531,894, plus strand): 5'-TGGAGTATCCACAATTGAGGTAAATTTGTCCTTTGATTTTTCATAGTTTTTCCTGTATTT[G>C]ATCTAAATTGTGGAAGAGAAGAAAGAGCTCTAAGAAGTTGTAGAGTGGGCTTTAAGGTAT-3'
Protein context (NP_001157980.2, residues 7130-7150): ALYNSHMWSQ[Ile7140Met]KYRKNYEKSK

ClinVar aggregate classification (germline): Uncertain significance (1 of 4 stars; one submission).

Conditions:
Nemaline myopathy 2 (NEM2). Also called: Nemaline myopathy 2, autosomal recessive. Identifiers: MedGen C1850569, MONDO:0009725, OMIM 256030.

Submission:

Labcorp Genetics (formerly Invitae), Labcorp
Classification: Uncertain significance for Nemaline myopathy 2. Last evaluated: 2023-02-08. Review status: criteria provided, single submitter. Criteria: Invitae Variant Classification Sherloc (09022015). Collection method: clinical testing. Allele origin: germline.
Comment: This variant has not been reported in the literature in individuals affected with NEB-related conditions. This variant is not present in population databases (gnomAD no frequency). This sequence change replaces isoleucine, which is neutral and non-polar, with methionine, which is neutral and non-polar, at codon 7175 of the NEB protein (p.Ile7175Met). ClinVar contains an entry for this variant (Variation ID: 1716626). In summary, the available evidence is currently insufficient to determine the role of this variant in disease. Therefore, it has been classified as a Variant of Uncertain Significance. Algorithms developed to predict the effect of missense changes on protein structure and function are either unavailable or do not agree on the potential impact of this missense change (SIFT: "Deleterious"; PolyPhen-2: "Not Available"; Align-GVGD: "Class C0").